The following is an entry in ClinVar:

ClinVar aggregate classification (germline): Likely pathogenic (1 of 4 stars; one submission).

Submission:

Labcorp Genetics (formerly Invitae), Labcorp
Classification: Likely pathogenic. Last evaluated: 2022-07-27. Review status: criteria provided, single submitter. Criteria: Invitae Variant Classification Sherloc (09022015). Collection method: clinical testing. Allele origin: germline.
Comment: In summary, the currently available evidence indicates that the variant is pathogenic, but additional data are needed to prove that conclusively. Therefore, this variant has been classified as Likely Pathogenic. This variant has not been reported in the literature in individuals affected with RARS2-related conditions. This variant results in a copy number gain of the genomic region encompassing exon(s) 2-6 of the RARS2 gene. While the exact position of this variant cannot be determined from the data, sub-genic copy number gains are generally in tandem (PMID: 25640679). This variant is predicted to be out-of-frame, and may result in an absent or disrupted protein product. Loss-of-function variants in RARS2 are known to be pathogenic (PMID: 17847012, 22569581, 26083569).

Literature cited by the submitters: PubMed 25640679; PubMed 17847012; PubMed 22569581; PubMed 26083569.

NC_000006.11:g.(?_88258289)_(88279328_?)dup

Gene: RARS2 (arginyl-tRNA synthetase 2, mitochondrial; minus strand). Cytogenetic location: 6q15.
Variant type: Duplication.
Identifiers: ClinVar variation 2426537 (VCV002426537.4).